The following is an entry in ClinVar:

ClinVar aggregate classification (germline): Uncertain significance (1 of 4 stars; one submission).

Conditions:
Idiopathic generalized epilepsy. Also called: Generalised epilepsy; EIG. Identifiers: MedGen C0270850, MONDO:0005579, OMIM 600669.

gnomAD v4.1: 1 of 1,548,852 alleles (0.000065%); highest among the groups gnomAD compares: Non-Finnish European, 0.000087%; no homozygotes.

Submission:

Labcorp Genetics (formerly Invitae), Labcorp
Classification: Uncertain significance for Idiopathic generalized epilepsy. Last evaluated: 2024-02-07. Review status: criteria provided, single submitter. Criteria: Invitae Variant Classification Sherloc (09022015). Collection method: clinical testing. Allele origin: germline.
Comment: This sequence change replaces valine, which is neutral and non-polar, with leucine, which is neutral and non-polar, at codon 234 of the RBFOX3 protein (p.Val234Leu). This variant is not present in population databases (gnomAD no frequency). This variant has not been reported in the literature in individuals affected with RBFOX3-related conditions. Advanced modeling of protein sequence and biophysical properties (such as structural, functional, and spatial information, amino acid conservation, physicochemical variation, residue mobility, and thermodynamic stability) performed at Invitae indicates that this missense variant is not expected to disrupt RBFOX3 protein function with a negative predictive value of 80%. In summary, the available evidence is currently insufficient to determine the role of this variant in disease. Therefore, it has been classified as a Variant of Uncertain Significance.

NM_001350451.2(RBFOX3):c.700G>T (p.Val234Leu)

Gene: RBFOX3 (RNA binding fox-1 homolog 3; minus strand). Cytogenetic location: 17q25.3.
Variant type: single nucleotide variant.
Coding change: c.700G>T on transcript NM_001350451.2 (MANE Select); coding-DNA position 700, G replaced by T.
Protein change: p.Val234Leu; replaces valine 234 with leucine.
Molecular consequence: missense variant.
Genome position (GRCh38, 1-based): chr17:79,097,347, C>A on the plus strand (G>T on the coding strand, the complement: RBFOX3 is on the minus strand). VCF-style: chr17-79097347-C-A. GRCh37 (hg19) VCF-style: chr17-77093429-C-A.
Other names: c.700G>T, p.Val234Leu (NM_001082575.3, NM_001350453.2, NM_001385804.1 and 33 more transcripts); c.697G>T, p.Val233Leu (NM_001385822.1, NM_001385823.1, NM_001385806.1 and 4 more transcripts); c.607G>T, p.Val203Leu (NM_001385824.1); c.721G>T, p.Val241Leu (NM_001385827.1); c.553G>T, p.Val185Leu (NM_001385847.1); short protein forms V203L, V233L, V241L, V234L, V185L.
Identifiers: ClinVar variation 3639416 (VCV003639416.2).